The following is an entry in ClinVar:

NM_000038.6(APC):c.2550A>G (p.Arg850=)

Gene: APC (APC regulator of Wnt signaling pathway; plus strand). Cytogenetic location: 5q22.2.
Variant type: single nucleotide variant.
Coding change: c.2550A>G on transcript NM_000038.6 (MANE Select); coding-DNA position 2550, A replaced by G.
Protein change: p.Arg850=; no amino-acid change (arginine 850 retained).
Molecular consequence: synonymous variant. On other transcripts: non-coding transcript variant (2).
Genome position (GRCh38, 1-based): chr5:112,838,144, A>G. VCF-style: chr5-112838144-A-G. GRCh37 (hg19) VCF-style: chr5-112173841-A-G.
Other names: c.2550A>G, p.Arg850= (NM_001127510.3, NM_001354895.2, NM_001407450.1); c.2496A>G, p.Arg832= (NM_001127511.3); c.2604A>G, p.Arg868= (NM_001354896.2, NM_001407447.1, NM_001407448.1 and 1 more transcripts); c.2580A>G, p.Arg860= (NM_001354897.2); c.2475A>G, p.Arg825= (NM_001354898.2); c.2466A>G, p.Arg822= (NM_001354899.2); c.2427A>G, p.Arg809= (NM_001354900.2); c.2373A>G, p.Arg791= (NM_001354901.2, NM_001407453.1); and 11 more.
Identifiers: ClinVar variation 3074465 (VCV003074465.2), dbSNP rs2149872205, ClinGen allele CA445962854.

ClinVar aggregate classification (germline): Likely benign. Review status: criteria provided, multiple submitters, no conflicts (2 of 4 stars). 2 submissions from 2 submitters: Likely benign (2). Last evaluated 2023-11-20.

Conditions:
Classic or attenuated familial adenomatous polyposis. Identifiers: MedGen CN372698, MONDO:0021057.
Hereditary cancer-predisposing syndrome. Also called: Neoplastic Syndromes, Hereditary; Tumor predisposition; Hereditary neoplastic syndrome; Hereditary Cancer Syndrome. Identifiers: Orphanet 140162, MedGen C0027672, MeSH D009386, MONDO:0015356.

Submissions (2):

All of Us Research Program, National Institutes of Health
Classification: Likely benign for Classic or attenuated familial adenomatous polyposis. Last evaluated: 2023-11-20. Review status: criteria provided, single submitter. Criteria: ACMG Guidelines, 2015. Collection method: clinical testing. Allele origin: germline. Inheritance: Autosomal dominant inheritance. Observed: 1 variant allele, 1 heterozygote.
Comment: This study involves interpretation of variants in research participants for the purpose of population health screening. Participant phenotype was not available at the time of variant classification. Additional details can be found in publication PMID: 35346344, PMCID: PMC8962531

Color Diagnostics, LLC DBA Color Health
Classification: Likely benign for Hereditary cancer-predisposing syndrome. Last evaluated: 2023-11-01. Review status: criteria provided, single submitter. Criteria: ACMG Guidelines, 2015. Collection method: clinical testing. Allele origin: germline.